The following is an entry in ClinVar:

ClinVar aggregate classification (germline): Uncertain significance. Review status: criteria provided, multiple submitters, no conflicts (2 of 4 stars). 3 submissions from 3 submitters: Uncertain significance (3). Last evaluated 2025-05-03.

Conditions:
Inborn genetic diseases. Identifiers: MedGen C0950123, MeSH D030342.
Developmental and epileptic encephalopathy, 18 (DEE18). Also called: Early infantile epileptic encephalopathy 18. Identifiers: Orphanet 369894, MedGen C3809624, MONDO:0014201, OMIM 615476.

Allele frequency attached by ClinVar (database versions not stated): TOPMed 0.00001.
gnomAD v4.1: 35 of 1,614,146 alleles (0.0022%); highest among the groups gnomAD compares: South Asian, 0.012%; no homozygotes.

Submissions (3):

Ambry Genetics
Classification: Uncertain significance for Inborn genetic diseases. Last evaluated: 2025-05-03. Review status: criteria provided, single submitter. Criteria: Ambry Variant Classification Scheme 2023. Collection method: clinical testing. Allele origin: germline.

Genome-Nilou Lab
Classification: Uncertain significance for Developmental and epileptic encephalopathy, 18. Last evaluated: 2023-04-11. Review status: criteria provided, single submitter. Criteria: ACMG Guidelines, 2015. Collection method: clinical testing. Allele origin: germline. Affected: no.

Labcorp Genetics (formerly Invitae), Labcorp
Classification: Uncertain significance. Last evaluated: 2022-08-10. Review status: criteria provided, single submitter. Criteria: Invitae Variant Classification Sherloc (09022015). Collection method: clinical testing. Allele origin: germline.
Comment: This sequence change replaces arginine, which is basic and polar, with glutamine, which is neutral and polar, at codon 2619 of the SZT2 protein (p.Arg2619Gln). This variant is present in population databases (rs758138686, gnomAD 0.01%). This variant has not been reported in the literature in individuals affected with SZT2-related conditions. ClinVar contains an entry for this variant (Variation ID: 665570). Algorithms developed to predict the effect of missense changes on protein structure and function (SIFT, PolyPhen-2, Align-GVGD) all suggest that this variant is likely to be tolerated. In summary, the available evidence is currently insufficient to determine the role of this variant in disease. Therefore, it has been classified as a Variant of Uncertain Significance.

NM_001365999.1(SZT2):c.8027G>A (p.Arg2676Gln)

Gene: SZT2 (SZT2 subunit of KICSTOR complex; plus strand). Cytogenetic location: 1p34.2.
Variant type: single nucleotide variant.
Coding change: c.8027G>A on transcript NM_001365999.1 (MANE Select); coding-DNA position 8027, G replaced by A.
Protein change: p.Arg2676Gln; replaces arginine 2676 with glutamine.
Molecular consequence: missense variant.
Genome position (GRCh38, 1-based): chr1:43,442,494, G>A. VCF-style: chr1-43442494-G-A. GRCh37 (hg19) VCF-style: chr1-43908165-G-A.
Other names: c.7856G>A, p.Arg2619Gln (NM_015284.4); short protein forms R2676Q, R2619Q.
Identifiers: ClinVar variation 665570 (VCV000665570.11), dbSNP rs758138686, ClinGen allele CA810431.
Genomic context (GRCh38, chr1:43,442,494, plus strand): 5'-ACCTCCAGCTACAGCTGCTGACCTACAACTGGGCTCCAGACCTGGGGGCAGCATTGGGCC[G>A]AGCGCTGGTTCGCCTGGTGCAGTGGCAGAATGCACGAGCCCATCTCATCTTCTGCCTACT-3'
Protein context (NP_001352928.1, residues 2666-2686): WAPDLGAALG[Arg2676Gln]ALVRLVQWQN